The following is an entry in ClinVar:

ClinVar aggregate classification (germline): Uncertain significance (1 of 4 stars; one submission).

Conditions:
Severe combined immunodeficiency due to IKK2 deficiency. Also called: Immunodeficiency 15; IMMUNODEFICIENCY 15B. Identifiers: Orphanet 397787, MedGen C4747743, MONDO:0014267, OMIM 615592.

gnomAD v4.1: 4 of 1,613,820 alleles (0.00025%); highest among the groups gnomAD compares: Non-Finnish European, 0.00034%; no homozygotes.

Submission:

Labcorp Genetics (formerly Invitae), Labcorp
Classification: Uncertain significance for Severe combined immunodeficiency due to IKK2 deficiency. Last evaluated: 2021-08-26. Review status: criteria provided, single submitter. Criteria: Invitae Variant Classification Sherloc (09022015). Collection method: clinical testing. Allele origin: germline.
Comment: This sequence change replaces valine with leucine at codon 253 of the IKBKB protein (p.Val253Leu). The valine residue is highly conserved and there is a small physicochemical difference between valine and leucine. This variant is not present in population databases (ExAC no frequency). This variant has not been reported in the literature in individuals affected with IKBKB-related conditions. Algorithms developed to predict the effect of missense changes on protein structure and function (SIFT, PolyPhen-2, Align-GVGD) all suggest that this variant is likely to be disruptive. In summary, the available evidence is currently insufficient to determine the role of this variant in disease. Therefore, it has been classified as a Variant of Uncertain Significance.

NM_001556.3(IKBKB):c.757G>C (p.Val253Leu)

Gene: IKBKB (inhibitor of nuclear factor kappa B kinase subunit beta; plus strand). Cytogenetic location: 8p11.21.
Variant type: single nucleotide variant.
Coding change: c.757G>C on transcript NM_001556.3 (MANE Select); coding-DNA position 757, G replaced by C.
Protein change: p.Val253Leu; replaces valine 253 with leucine.
Molecular consequence: missense variant. On other transcripts: non-coding transcript variant (3).
Genome position (GRCh38, 1-based): chr8:42,314,386, G>C. VCF-style: chr8-42314386-G-C. GRCh37 (hg19) VCF-style: chr8-42171904-G-C.
Other names: c.565G>C, p.Val189Leu (NM_001190720.3); c.580G>C, p.Val194Leu (NM_001242778.2); short protein forms V194L, V253L, V189L.
Identifiers: ClinVar variation 857272 (VCV000857272.4), dbSNP rs140074007, ClinGen allele CA371083213.
Genomic context (GRCh38, chr8:42,314,386, plus strand): 5'-TCAAAAGTGCGGCAGAAGAGTGAGGTGGACATTGTTGTTAGCGAAGACTTGAATGGAACG[G>C]TGAAGTTTTCAAGCTCTTTACCCTACCCCAATAATCTTAACAGGTAAGGCACAGCGGCAT-3'
Protein context (NP_001547.1, residues 243-263): IVVSEDLNGT[Val253Leu]KFSSSLPYPN